The following is an entry in ClinVar:

ClinVar aggregate classification (germline): Conflicting classifications of pathogenicity. Review status: criteria provided, conflicting classifications (1 of 4 stars). 2 submissions from 2 submitters: Likely pathogenic (1); Uncertain significance (1). Last evaluated 2026-08-11.

Conditions:
Autoimmune enteropathy and endocrinopathy - susceptibility to chronic infections syndrome. Also called: Immunodeficiency 31C; Immunodeficiency 31C, autosomal dominant. Identifiers: Orphanet 391487, MedGen C3279990, MONDO:0013599, OMIM 614162.
Immunodeficiency 31B. Also called: STAT1 DEFICIENCY, AUTOSOMAL RECESSIVE; IMMUNODEFICIENCY 31B, MYCOBACTERIAL AND VIRAL INFECTIONS, AUTOSOMAL RECESSIVE. Identifiers: Orphanet 391311, MedGen C3151088, MONDO:0013427, OMIM 613796.
Mendelian susceptibility to mycobacterial diseases due to partial STAT1 deficiency. Also called: IMMUNODEFICIENCY 31A, MYCOBACTERIOSIS, AUTOSOMAL DOMINANT; STAT1 DEFICIENCY, AUTOSOMAL DOMINANT; Immunodeficiency 31a. Identifiers: Orphanet 319595, MedGen C4013950, MONDO:0013956, OMIM 614892.

Submissions (2):

Laboratory of Clinical Immunology, Infection and Allergy, Faculty of Medicine and Pharmacy of Casablanca, University of Hassan II Casablanca
Classification: Likely pathogenic for Autoimmune enteropathy and endocrinopathy - susceptibility to chronic infections syndrome. Last evaluated: 2026-08-11. Review status: criteria provided, single submitter. Criteria: ACMG Guidelines, 2015. Collection method: clinical testing. Allele origin: germline. Affected: yes. Observed: 2 variant alleles.
Comment: This missense change replaces aspartic acid with glycine at position 65 of the STAT1 protein, within the N-terminal domain. The variant is absent from population databases, including gnomAD (PM2). A different amino acid change affecting the same residue, p.Asp65Ala (c.194A>C), has been reported in association with a STAT1 gain-of-function phenotype and has been shown functionally to cause increased and prolonged tyrosine phosphorylation with elevated nuclear accumulation of STAT1 (PMID:40775363), establishing that this residue is functionally important (PM5). The variant was identified in two affected members of a single Moroccan family, a father and his son, in whom it co-segregated with chronic mucocutaneous candidiasis (PP1). Computational tools predict a damaging effect (CADD 31.0) (PP3), and the phenotype in both individuals is characteristic of STAT1 gain-of-function disease (PP4). To our knowledge this specific substitution has not been reported previously, and functional studies of it have not been performed. In summary, on the basis of PM2, PM5, PP1, PP3 and PP4, this variant is classified as Likely pathogenic.

Labcorp Genetics (formerly Invitae), Labcorp
Classification: Uncertain significance for Mendelian susceptibility to mycobacterial diseases due to partial STAT1 deficiency; Immunodeficiency 31B; Autoimmune enteropathy and endocrinopathy - susceptibility to chronic infections syndrome. Last evaluated: 2024-05-06. Review status: criteria provided, single submitter. Criteria: Invitae Variant Classification Sherloc (09022015). Collection method: clinical testing. Allele origin: germline.
Comment: This sequence change replaces aspartic acid, which is acidic and polar, with glycine, which is neutral and non-polar, at codon 65 of the STAT1 protein (p.Asp65Gly). This variant is not present in population databases (gnomAD no frequency). This missense change has been observed in individual(s) with clinical features of chronic mucocutaneous candidiasis (Invitae). It has also been observed to segregate with disease in related individuals. ClinVar contains an entry for this variant (Variation ID: 2000006). An algorithm developed to predict the effect of missense changes on protein structure and function (PolyPhen-2) suggests that this variant is likely to be disruptive. This variant disrupts the p.Asp65 amino acid residue in STAT1. Other variant(s) that disrupt this residue have been observed in individuals with STAT1-related conditions (PMID: 31686315, 35126392), which suggests that this may be a clinically significant amino acid residue. In summary, the available evidence is currently insufficient to determine the role of this variant in disease. Therefore, it has been classified as a Variant of Uncertain Significance.

Literature cited by the submitters: PubMed 40775363 (cited by Laboratory of Clinical Immunology, Infection and Allergy, Faculty of Medicine and Pharmacy of Casablanca, University of Hassan II Casablanca); PubMed 31686315 (cited by Labcorp Genetics (formerly Invitae), Labcorp); PubMed 35126392 (cited by Labcorp Genetics (formerly Invitae), Labcorp).

NM_007315.4(STAT1):c.194A>G (p.Asp65Gly)

Gene: STAT1 (signal transducer and activator of transcription 1; minus strand). Cytogenetic location: 2q32.2.
Variant type: single nucleotide variant.
Coding change: c.194A>G on transcript NM_007315.4 (MANE Select); coding-DNA position 194, A replaced by G.
Protein change: p.Asp65Gly; replaces aspartic acid 65 with glycine.
Molecular consequence: missense variant.
Genome position (GRCh38, 1-based): chr2:191,009,042, T>C on the plus strand (A>G on the coding strand, the complement: STAT1 is on the minus strand). VCF-style: chr2-191009042-T-C. GRCh37 (hg19) VCF-style: chr2-191873768-T-C.
Other names: c.194A>G, p.Asp65Gly (NM_001384883.1, NM_001384885.1, NM_001384886.1 and 7 more transcripts); c.200A>G, p.Asp67Gly (NM_001384884.1, NM_001384881.1); c.230A>G, p.Asp77Gly (NM_001384891.1); short protein forms D67G, D77G, D65G.
Identifiers: ClinVar variation 2000006 (VCV002000006.5), dbSNP rs2470565379, ClinGen allele CA349928014.
Genomic context (GRCh38, chr2:191,009,042, plus strand): 5'-TTCCTTATGTTATGCTGTAGCAAGAAGTTATTCTCCAAAGAAAAGCGACTATATTGATCA[T>C]CCAGCTGTGACAGGAGGTCATGAAAACGGATGGTGGCAAATGAAACATCATTGGCAGCGT-3'
Protein context (NP_009330.1, residues 55-75): IRFHDLLSQL[Asp65Gly]DQYSRFSLEN